The following is an entry in ClinVar:

ClinVar aggregate classification (germline): Uncertain significance (1 of 4 stars; one submission).

Conditions:
Charcot-Marie-Tooth disease dominant intermediate B (CMTDIB). Also called: CHARCOT-MARIE-TOOTH NEUROPATHY, DOMINANT INTERMEDIATE B; Charcot-Marie-Tooth disease dominant intermediate 1; CMT DI1; Charcot-Marie-Tooth disease dominant intermediate I. Identifiers: Orphanet 100044, Orphanet 228179, MedGen C1847902, MONDO:0011674, OMIM 606482.

Submission:

Labcorp Genetics (formerly Invitae), Labcorp
Classification: Uncertain significance for Charcot-Marie-Tooth disease dominant intermediate B. Last evaluated: 2024-10-22. Review status: criteria provided, single submitter. Criteria: Invitae Variant Classification Sherloc (09022015). Collection method: clinical testing. Allele origin: germline.
Comment: This sequence change replaces isoleucine, which is neutral and non-polar, with valine, which is neutral and non-polar, at codon 432 of the DNM2 protein (p.Ile432Val). This variant is not present in population databases (gnomAD no frequency). This variant has not been reported in the literature in individuals affected with DNM2-related conditions. Invitae Evidence Modeling of protein sequence and biophysical properties (such as structural, functional, and spatial information, amino acid conservation, physicochemical variation, residue mobility, and thermodynamic stability) indicates that this missense variant is not expected to disrupt DNM2 protein function with a negative predictive value of 95%. In summary, the available evidence is currently insufficient to determine the role of this variant in disease. Therefore, it has been classified as a Variant of Uncertain Significance.

NM_001005361.3(DNM2):c.1196+719A>G

Gene: DNM2 (dynamin 2; plus strand). Cytogenetic location: 19p13.2.
Variant type: single nucleotide variant.
Coding change: c.1196+719A>G on transcript NM_001005361.3 (MANE Select); 719 bases into the intron after coding-DNA position 1196, A replaced by G.
Molecular consequence: intron variant. On other transcripts: missense variant (3).
Genome position (GRCh38, 1-based): chr19:10,796,158, A>G. VCF-style: chr19-10796158-A-G. GRCh37 (hg19) VCF-style: chr19-10906834-A-G.
Other names: c.1294A>G, p.Ile432Val (NM_001005360.3, NM_001190716.2, NM_004945.4); c.1196+719A>G (NM_001005362.3); short protein forms I432V.
Identifiers: ClinVar variation 3720960 (VCV003720960.2).
Genomic context (GRCh38, chr19:10,796,158, plus strand): 5'-ATTGTGAAAAAGCAGGTCGTCAAGCTGAAAGAGCCCTGTCTGAAATGTGTCGACCTGGTT[A>G]TCCAGGAGCTAATCAATACAGTTAGGCAGTGTACCAGTAAGGTATTGCTCCCTCGGCAGG-3'